The following is an entry in ClinVar:

NM_000548.5(TSC2):c.1386dup (p.Ile463fs)

Gene: TSC2 (TSC complex subunit 2; plus strand). Cytogenetic location: 16p13.3.
Variant type: Duplication.
Coding change: c.1386dup on transcript NM_000548.5 (MANE Select); coding-DNA position 1386, one base duplicated (C; older notation c.1386dupC).
Protein change: p.Ile463fs; shifts the reading frame from isoleucine 463.
Molecular consequence: frameshift variant.
Genome position (GRCh38, 1-based): chr16:2,062,996, C duplicated. VCF-style (leftmost placement, unchanged base first): chr16-2062995-G-GC. GRCh37 (hg19) VCF-style: chr16-2112996-G-GC.
Other names: c.1386dup, p.Ile463fs (NM_001077183.3, NM_001114382.3, NM_001363528.2 and 3 more transcripts); c.1275dup, p.Ile426fs (NM_001318827.2); c.1239dup, p.Ile414fs (NM_001318829.2); c.786dup, p.Ile263fs (NM_001318831.2); c.1419dup, p.Ile474fs (NM_001318832.2); short protein forms I263fs, I426fs, I474fs, I463fs, I414fs.
Identifiers: ClinVar variation 817396 (VCV000817396.2), dbSNP rs1596307300, ClinGen allele CA915946239.

ClinVar aggregate classification (germline): Pathogenic/Likely pathogenic. Review status: criteria provided, multiple submitters, no conflicts (2 of 4 stars). 2 submissions from 2 submitters: Pathogenic (1); Likely pathogenic (1). Last evaluated 2025-11-05.

Conditions:
Tuberous sclerosis 2 (TSC2). Identifiers: Orphanet 805, MedGen C1860707, MONDO:0013199, OMIM 613254.

Submissions (2):

Institute for Genomic Medicine (IGM) Clinical Laboratory, Nationwide Children's Hospital
Classification: Likely pathogenic for Tuberous sclerosis 2. Last evaluated: 2025-11-05. Review status: criteria provided, single submitter. Criteria: ACMG Guidelines, 2015. Collection method: clinical testing. Allele origin: germline.
Comment: This variant is predicted to result in loss of function through nonsense-mediated decay of the encoded transcript or premature truncation of the encoded protein in a gene in which loss of function is a known mechanism of disease (ACMG/AMP: PVS1; PMIDs:10205261, 11112665). This variant is absent from or present at an exceedingly low frequency in gnomAD, a large-scale control population database (ACMG/AMP: PM2).

GeneDx
Classification: Pathogenic. Last evaluated: 2019-08-19. Review status: criteria provided, single submitter. Criteria: GeneDx Variant Classification (06012015). Collection method: clinical testing. Allele origin: germline. Affected: yes.
Comment: The c.1386dupC pathogenic variant in the TSC2 gene causes a frameshift starting with codon Isoleucine 463, changes this amino acid to a Histidine residue and creates a premature Stop codon at position 19 of the new reading frame, denoted p.Ile463HisfsX19. This pathogenic variant is predicted to cause loss of normal protein function either through protein truncation or nonsense-mediated mRNA decay. The c.1386dupC variant is not observed in large population cohorts (Lek et al., 2016).

Literature cited by the submitters: PubMed 10205261 (cited by Institute for Genomic Medicine (IGM) Clinical Laboratory, Nationwide Children's Hospital); PubMed 11112665 (cited by Institute for Genomic Medicine (IGM) Clinical Laboratory, Nationwide Children's Hospital).